The following is an entry in ClinVar:

NM_001387430.1(SH2B1):c.11C>T (p.Ala4Val)

Gene: SH2B1 (SH2B adaptor protein 1; plus strand). Cytogenetic location: 16p11.2.
Variant type: single nucleotide variant.
Coding change: c.11C>T on transcript NM_001387430.1 (MANE Select); coding-DNA position 11, C replaced by T.
Protein change: p.Ala4Val; replaces alanine 4 with valine.
Molecular consequence: missense variant. On other transcripts: intron variant (1).
Genome position (GRCh38, 1-based): chr16:28,866,105, C>T. VCF-style: chr16-28866105-C-T. GRCh37 (hg19) VCF-style: chr16-28877426-C-T.
Other names: c.11C>T, p.Ala4Val (NM_001145795.2, NM_001145796.2, NM_001145797.2 and 4 more transcripts); c.-26-1269C>T (NM_001308294.2); short protein forms A4V.
Identifiers: ClinVar variation 2618120 (VCV002618120.3), dbSNP rs1212406427, ClinGen allele CA395421255.

ClinVar aggregate classification (germline): Uncertain significance. Review status: criteria provided, multiple submitters, no conflicts (2 of 4 stars). 2 submissions from 2 submitters: Uncertain significance (2). Last evaluated 2026-07-17.

Conditions:
SH2B1-related disorder. Also called: SH2B1-related condition.

Allele frequency attached by ClinVar (database versions not stated): gnomAD exomes below 0.00001; TOPMed below 0.00001.
gnomAD v4.1: 4 of 1,569,548 alleles (0.00025%); highest among the groups gnomAD compares: East Asian, 0.0067%; no homozygotes.

Submissions (2):

PreventionGenetics, part of Exact Sciences
Classification: Uncertain significance for SH2B1-related condition. Last evaluated: 2026-07-17. Review status: criteria provided, single submitter. Criteria: ACMG Guidelines, 2015. Collection method: clinical testing. Allele origin: germline.
Comment: The SH2B1 c.11C>T variant is predicted to result in the amino acid substitution p.Ala4Val. To our knowledge, this variant has not been reported in the literature. This variant is reported in 0.024% of alleles in individuals of East Asian descent in gnomAD. At this time, the clinical significance of this variant is uncertain due to the absence of conclusive functional and genetic evidence.

Ambry Genetics
Classification: Uncertain significance. Last evaluated: 2023-08-14. Review status: criteria provided, single submitter. Criteria: Ambry Variant Classification Scheme 2023. Collection method: clinical testing. Allele origin: germline.